The following is an entry in ClinVar:

ClinVar aggregate classification (germline): Likely benign (1 of 4 stars; one submission).

Conditions:
Hereditary breast ovarian cancer syndrome. Also called: Hereditary breast and ovarian cancer; Breast and ovarian cancer; Hereditary breast and ovarian cancer syndrome; Hereditary breast and ovarian cancer syndrome (HBOC); BRCA1- and BRCA2-Associated Hereditary Breast and Ovarian Cancer; Hereditary breast and/or ovarian cancer syndrome. Identifiers: Orphanet 145, MedGen C0677776, MeSH D061325, MONDO:0003582. Disease mechanism: loss of function.

gnomAD v4.1: 7 of 1,595,768 alleles (0.00044%); highest among the groups gnomAD compares: South Asian, 0.0022%; no homozygotes.

Submission:

Institute for Biomarker Research, Medical Diagnostic Laboratories, L.L.C.
Classification: Likely benign for Hereditary breast ovarian cancer syndrome. Last evaluated: 2025-02-25. Review status: criteria provided, single submitter. Criteria: ACMG Guidelines, 2015. Collection method: clinical testing. Allele origin: germline.
Comment: The intron variant NM_007294.4(BRCA1):c.4358-2781G>A has not been reported previously as a pathogenic variant, to our knowledge. The c.4358-2781G>A variant is observed in 1/30,290 (0.0033%) alleles from individuals of gnomAD South Asian background in gnomAD. The c.4358-2781G>A variant is not predicted to disrupt an existing splice site. The c.4358-2781G>A variant results in a substitution of a base that is not predicted conserved by GERP++ and PhyloP. For these reasons, this variant has been classified as Likely Benign

NM_007294.4(BRCA1):c.4358-2781G>A

Gene: BRCA1 (BRCA1 DNA repair associated; minus strand). Cytogenetic location: 17q21.31.
Variant type: single nucleotide variant.
Coding change: c.4358-2781G>A on transcript NM_007294.4 (MANE Select); 2781 bases into the intron before coding-DNA position 4358, G replaced by A.
Molecular consequence: intron variant. On other transcripts: synonymous variant (17).
Genome position (GRCh38, 1-based): chr17:43,079,395, C>T on the plus strand (G>A on the coding strand, the complement: BRCA1 is on the minus strand). VCF-style: chr17-43079395-C-T. GRCh37 (hg19) VCF-style: chr17-41231412-C-T.
Other names: c.4235-2784G>A (NM_001407679.1, NM_001407863.1, NM_001407680.1 and 3 more transcripts); c.4235-2781G>A (NM_001407938.1, NM_001407667.1, NM_001407668.1 and 6 more transcripts); c.932-2784G>A (NM_001408423.1, NM_001408422.1); c.932-2781G>A (NM_001408420.1, NM_001408419.1, NM_001408418.1); c.1046-2784G>A (NM_001408404.1, NM_001408396.1, NM_001408473.1 and 5 more transcripts); c.1046-2781G>A (NM_001408472.1, NM_001407990.1, NM_001407991.1 and 9 more transcripts); c.1049-2784G>A (NM_007299.4, NM_007298.4, NM_001407993.1); c.1049-2781G>A (NM_001407974.1, NM_001407973.1, NM_001407975.1 and 3 more transcripts); and 98 more.
Identifiers: ClinVar variation 4294405 (VCV004294405.1), dbSNP rs761271538.